The following is an entry in ClinVar:

NM_001142864.4(PIEZO1):c.6063C>G (p.Leu2021=)

Gene: PIEZO1 (piezo type mechanosensitive ion channel component 1 (Er blood group); minus strand). Cytogenetic location: 16q24.3.
Variant type: single nucleotide variant.
Coding change: c.6063C>G on transcript NM_001142864.4 (MANE Select); coding-DNA position 6063, C replaced by G.
Protein change: p.Leu2021=; no amino-acid change (leucine 2021 retained).
Molecular consequence: synonymous variant.
Genome position (GRCh38, 1-based): chr16:88,720,170, G>C on the plus strand (C>G on the coding strand, the complement: PIEZO1 is on the minus strand). VCF-style: chr16-88720170-G-C. GRCh37 (hg19) VCF-style: chr16-88786578-G-C.
Identifiers: ClinVar variation 4873481 (VCV004873481.2).
Genomic context (GRCh38, chr16:88,720,170, plus strand): 5'-GATGGCCAGCACCAGCGCCACCTGGAAGGCCAGCTTGCCCAGCACGGTCTTGCGCAGGTA[G>C]AGGGCGCGGTCAACCACCATGGTACTGAACTGGATCAGCAGCATGACCAGGAAAGCCTCG-3'
Protein context (NP_001136336.2, residues 2011-2031): QFSTMVVDRA[Leu2021=]YLRKTVLGKL

ClinVar aggregate classification (germline): Likely benign (1 of 4 stars; one submission).

gnomAD v4.1: 36 of 1,550,424 alleles (0.0023%); highest among the groups gnomAD compares: Non-Finnish European, 0.0031%; no homozygotes.

Submission:

CeGaT Center for Human Genetics Tuebingen
Classification: Likely benign. Last evaluated: 2026-04-01. Review status: criteria provided, single submitter. Criteria: CeGaT Center For Human Genetics Tuebingen Variant Classification Criteria Version 2. Collection method: clinical testing. Allele origin: germline. Affected: yes. Observed: 1 variant allele.
Comment: PIEZO1: BP4, BP7